The following is an entry in ClinVar:

ClinVar aggregate classification (germline): Uncertain significance. Review status: criteria provided, multiple submitters, no conflicts (2 of 4 stars). 2 submissions from 2 submitters: Uncertain significance (2). Last evaluated 2025-03-12.

Conditions:
Hereditary cancer-predisposing syndrome. Also called: Hereditary neoplastic syndrome; Neoplastic Syndromes, Hereditary; Tumor predisposition; Hereditary Cancer Syndrome. Identifiers: Orphanet 140162, MedGen C0027672, MeSH D009386, MONDO:0015356.
Fanconi anemia complementation group J. Also called: BRIP1-Related Fanconi Anemia. Identifiers: Orphanet 84, MedGen C1836860, MONDO:0012187, OMIM 609054.
Familial cancer of breast. Also called: BREAST CANCER, FAMILIAL; Hereditary breast cancer; hereditary breast carcinoma. Identifiers: Orphanet 227535, MedGen C0346153, MONDO:0016419, OMIM 114480. Disease mechanism: loss of function.

Allele frequency attached by ClinVar (database versions not stated): TOPMed below 0.00001.

Submissions (2):

Ambry Genetics
Classification: Uncertain significance for Hereditary cancer-predisposing syndrome. Last evaluated: 2025-03-12. Review status: criteria provided, single submitter. Criteria: Ambry Variant Classification Scheme 2023. Collection method: clinical testing. Allele origin: germline.
Comment: The p.P931Q variant (also known as c.2792C>A), located in coding exon 18 of the BRIP1 gene, results from a C to A substitution at nucleotide position 2792. The proline at codon 931 is replaced by glutamine, an amino acid with similar properties. This amino acid position is well conserved in available vertebrate species. In addition, this alteration is predicted to be tolerated by in silico analysis. Since supporting evidence is limited at this time, the clinical significance of this alteration remains unclear.

Labcorp Genetics (formerly Invitae), Labcorp
Classification: Uncertain significance for Familial cancer of breast; Fanconi anemia complementation group J. Last evaluated: 2023-12-31. Review status: criteria provided, single submitter. Criteria: Invitae Variant Classification Sherloc (09022015). Collection method: clinical testing. Allele origin: germline.
Comment: This sequence change replaces proline, which is neutral and non-polar, with glutamine, which is neutral and polar, at codon 931 of the BRIP1 protein (p.Pro931Gln). This variant is not present in population databases (gnomAD no frequency). This variant has not been reported in the literature in individuals affected with BRIP1-related conditions. ClinVar contains an entry for this variant (Variation ID: 483182). Advanced modeling of protein sequence and biophysical properties (such as structural, functional, and spatial information, amino acid conservation, physicochemical variation, residue mobility, and thermodynamic stability) performed at Invitae indicates that this missense variant is not expected to disrupt BRIP1 protein function with a negative predictive value of 80%. In summary, the available evidence is currently insufficient to determine the role of this variant in disease. Therefore, it has been classified as a Variant of Uncertain Significance.

NM_032043.3(BRIP1):c.2792C>A (p.Pro931Gln)

Gene: BRIP1 (BRCA1 interacting DNA helicase 1; minus strand). Cytogenetic location: 17q23.2.
Variant type: single nucleotide variant.
Coding change: c.2792C>A on transcript NM_032043.3 (MANE Select); coding-DNA position 2792, C replaced by A.
Protein change: p.Pro931Gln; replaces proline 931 with glutamine.
Molecular consequence: missense variant.
Genome position (GRCh38, 1-based): chr17:61,685,949, G>T on the plus strand (C>A on the coding strand, the complement: BRIP1 is on the minus strand). VCF-style: chr17-61685949-G-T. GRCh37 (hg19) VCF-style: chr17-59763310-G-T.
Other names: short protein forms P931Q.
Identifiers: ClinVar variation 483182 (VCV000483182.13), dbSNP rs932408573, ClinGen allele CA292268084.
Genomic context (GRCh38, chr17:61,685,949, plus strand): 5'-ATTTTAGGACACTGTAGTTCCTGGACACATATCTTTGCTTCATCTTCCACAAAATTTTCT[G>T]GTGATAGATGACTTGCTGCTTCCAGTAAATAAGGTGAGGTACTGTACTTTAAAGAGGTCA-3'
Protein context (NP_114432.2, residues 921-941): YLLEAASHLS[Pro931Gln]ENFVEDEAKI